The following is an entry in ClinVar:

ClinVar aggregate classification (germline): Uncertain significance (1 of 4 stars; one submission).

Submission:

Labcorp Genetics (formerly Invitae), Labcorp
Classification: Uncertain significance. Last evaluated: 2025-03-31. Review status: criteria provided, single submitter. Criteria: Invitae Variant Classification Sherloc (09022015). Collection method: clinical testing. Allele origin: germline.
Comment: This sequence change replaces threonine with isoleucine at codon 803 of the ARMC9 protein (p.Thr803Ile). The threonine residue is weakly conserved and there is a moderate physicochemical difference between threonine and isoleucine. This variant is not present in population databases (gnomAD no frequency). This variant has not been reported in the literature in individuals affected with ARMC9-related conditions. ClinVar contains an entry for this variant (Variation ID: 1486898). Experimental studies and prediction algorithms are not available or were not evaluated, and the functional significance of this variant is currently unknown. In summary, the available evidence is currently insufficient to determine the role of this variant in disease. Therefore, it has been classified as a Variant of Uncertain Significance.

NM_001352754.2(ARMC9):c.2408C>T (p.Thr803Ile)

Gene: ARMC9 (armadillo repeat containing 9; plus strand). Cytogenetic location: 2q37.1.
Variant type: single nucleotide variant.
Coding change: c.2408C>T on transcript NM_001352754.2 (MANE Select); coding-DNA position 2408, C replaced by T.
Protein change: p.Thr803Ile; replaces threonine 803 with isoleucine.
Molecular consequence: missense variant.
Genome position (GRCh38, 1-based): chr2:231,370,099, C>T. VCF-style: chr2-231370099-C-T. GRCh37 (hg19) VCF-style: chr2-232234810-C-T.
Other names: c.2408C>T, p.Thr803Ile (NM_001271466.4); short protein forms T803I.
Identifiers: ClinVar variation 1486898 (VCV001486898.6), dbSNP rs2125600599, ClinGen allele CA350959544.
Genomic context (GRCh38, chr2:231,370,099, plus strand): 5'-CAGTTCTGGCCCCTCTGTTCTCTTCGTGTGGCCCCCAGCAGGCCAGCCGCCCCGGCTCCA[C>T]AGCGTCCTCCACAAGGGGCCTGCCGAGTAAGTCAGCCTGGGCCCCACTGGCGTGGGAGCC-3'
Protein context (NP_001339683.2, residues 793-813): GPQQASRPGS[Thr803Ile]ASSTRGLPSS